The following is an entry in ClinVar:

ClinVar aggregate classification (germline): Uncertain significance (1 of 4 stars; one submission).

Conditions:
Hereditary cancer-predisposing syndrome. Also called: Neoplastic Syndromes, Hereditary; Tumor predisposition; Hereditary Cancer Syndrome; Hereditary neoplastic syndrome. Identifiers: Orphanet 140162, MedGen C0027672, MeSH D009386, MONDO:0015356.

Submission:

Ambry Genetics
Classification: Uncertain significance for Hereditary cancer-predisposing syndrome. Last evaluated: 2022-02-13. Review status: criteria provided, single submitter. Criteria: Ambry Variant Classification Scheme 2023. Collection method: clinical testing. Allele origin: germline.
Comment: The p.I1126S variant (also known as c.3377T>G), located in coding exon 17 of the BLM gene, results from a T to G substitution at nucleotide position 3377. The isoleucine at codon 1126 is replaced by serine, an amino acid with dissimilar properties. This amino acid position is conserved. In addition, the in silico prediction for this alteration is inconclusive. Since supporting evidence is limited at this time, the clinical significance of this alteration remains unclear.

NM_000057.4(BLM):c.3377T>G (p.Ile1126Ser)

Gene: BLM (BLM RecQ like helicase; plus strand). Cytogenetic location: 15q26.1.
Variant type: single nucleotide variant.
Coding change: c.3377T>G on transcript NM_000057.4 (MANE Select); coding-DNA position 3377, T replaced by G.
Protein change: p.Ile1126Ser; replaces isoleucine 1126 with serine.
Molecular consequence: missense variant. On other transcripts: intron variant (1).
Genome position (GRCh38, 1-based): chr15:90,803,539, T>G. VCF-style: chr15-90803539-T-G. GRCh37 (hg19) VCF-style: chr15-91346769-T-G.
Other names: c.3377T>G, p.Ile1126Ser (NM_001287246.2); c.2252T>G, p.Ile751Ser (NM_001287248.2); c.3358+5202T>G (NM_001287247.2); short protein forms I751S, I1126S.
Identifiers: ClinVar variation 1730777 (VCV001730777.2), dbSNP rs2505546695, ClinGen allele CA393847468.